The following is an entry in ClinVar:

NM_001382817.3(AGT):c.-30-3273G>A

Gene: AGT (angiotensinogen; minus strand). Cytogenetic location: 1q42.2.
Variant type: single nucleotide variant.
Coding change: c.-30-3273G>A on transcript NM_001382817.3; 3273 bases into the intron before 30 bases upstream of the start codon, G replaced by A.
Molecular consequence: intron variant.
Genome position (GRCh38, 1-based): chr1:230,714,126, C>T on the plus strand (G>A on the coding strand, the complement: AGT is on the minus strand). VCF-style: chr1-230714126-C-T. GRCh37 (hg19) VCF-style: chr1-230849872-C-T.
Other names: NM_000029.3:c.-44G>A.
Identifiers: ClinVar variation 296090 (VCV000296090.14), dbSNP rs5051, ClinGen allele CA10610324.

ClinVar aggregate classification (germline): Benign. Review status: criteria provided, multiple submitters, no conflicts (2 of 4 stars). 4 submissions from 4 submitters: Benign (3). 1 of the submissions does not count toward it. Last evaluated 2023-04-24.

Conditions:
Renal tubular dysgenesis of genetic origin. Also called: PRIMITIVE RENAL TUBULE SYNDROME. Identifiers: Orphanet 97369, MedGen C5681536, MONDO:0009970, OMIM 267430.
Hypertension, essential, susceptibility to.

Allele frequency attached by ClinVar (database versions not stated): gnomAD exomes 0.47191; gnomAD 0.58201 and 0.58403; 1000 Genomes Project 0.71046; 1000 Genomes Project 30x 0.71346; TOPMed 0.61013.
gnomAD v4.1: 88,594 of 152,032 alleles (58%); highest among the groups gnomAD compares: African/African-American, 84%; 28,516 homozygotes.

Submissions (4):

Department of Pathology and Laboratory Medicine, Sinai Health System
Classification: Benign for renal tubular dysgenesis of genetic origin. Last evaluated: 2023-04-24. Review status: criteria provided, single submitter. Criteria: ACMG Guidelines, 2015. Collection method: research. Allele origin: germline.

GeneDx
Classification: Benign. Last evaluated: 2018-03-13. Review status: criteria provided, single submitter. Criteria: GeneDx Variant Classification (06012015). Collection method: clinical testing. Allele origin: germline. Affected: yes.
Comment: This variant is considered likely benign or benign based on one or more of the following criteria: it is a conservative change, it occurs at a poorly conserved position in the protein, it is predicted to be benign by multiple in silico algorithms, and/or has population frequency not consistent with disease.

Breakthrough Genomics
Classification: Benign. Review status: criteria provided, single submitter. Criteria: ACMG Guidelines, 2015. Collection method: not provided. Allele origin: germline. Inheritance: Multifactorial inheritance. Affected: yes.

OMIM
Classification: Benign for RECLASSIFIED - AGT POLYMORPHISM. Last evaluated: 2010-12-24. Review status: no assertion criteria provided. Collection method: literature only. Allele origin: germline. Not counted in ClinVar's aggregate classification.

Literature cited by the submitters: Hamosh, A. Personal Communication. 2024. Baltimore, Md. (cited by OMIM); PubMed 9120024 (cited by OMIM); PubMed 9894356 (cited by OMIM); PubMed 13937884 (cited by OMIM); PubMed 15077204 (cited by OMIM); PubMed 17047091 (cited by OMIM); PubMed 20978123 (cited by OMIM).